The following is an entry in ClinVar:

NM_001363711.2(DUOX2):c.3052A>G (p.Lys1018Glu)

Gene: DUOX2 (dual oxidase 2; minus strand). Cytogenetic location: 15q21.1.
Variant type: single nucleotide variant.
Coding change: c.3052A>G on transcript NM_001363711.2 (MANE Select); coding-DNA position 3052, A replaced by G.
Protein change: p.Lys1018Glu; replaces lysine 1018 with glutamic acid.
Molecular consequence: missense variant.
Genome position (GRCh38, 1-based): chr15:45,100,182, T>C on the plus strand (A>G on the coding strand, the complement: DUOX2 is on the minus strand). VCF-style: chr15-45100182-T-C. GRCh37 (hg19) VCF-style: chr15-45392380-T-C.
Other names: c.3052A>G, p.Lys1018Glu (NM_014080.5); short protein forms K1018E.
Identifiers: ClinVar variation 1468689 (VCV001468689.6), dbSNP rs144086319, ClinGen allele CA7538029.
Genomic context (GRCh38, chr15:45,100,182, plus strand): 5'-AGTTCTCCACGAAGCGCTTGTACTGCTGCAGCTTTTGGGCTAGGAAGCCTCGCTGCATCT[T>C]CTCTTGCAGCGCCTCTGTGTACAGCCGGGGAGTGGGCACTGCTGCCCTATAGCAAGGGGA-3'
Protein context (NP_001350640.1, residues 1008-1028): PRLYTEALQE[Lys1018Glu]MQRGFLAQKL

ClinVar aggregate classification (germline): Uncertain significance (1 of 4 stars; one submission).

Allele frequency attached by ClinVar (database versions not stated): gnomAD exomes below 0.00001 and 0.00001; ExAC 0.00001; ESP Exome Variant Server 0.00008.
gnomAD v4.1: 4 of 1,614,110 alleles (0.00025%); highest among the groups gnomAD compares: Middle Eastern, 0.016%; no homozygotes.

Submission:

Labcorp Genetics (formerly Invitae), Labcorp
Classification: Uncertain significance. Last evaluated: 2020-12-31. Review status: criteria provided, single submitter. Criteria: Invitae Variant Classification Sherloc (09022015). Collection method: clinical testing. Allele origin: germline.
Comment: In summary, the available evidence is currently insufficient to determine the role of this variant in disease. Therefore, it has been classified as a Variant of Uncertain Significance. Advanced modeling of protein sequence and biophysical properties (such as structural, functional, and spatial information, amino acid conservation, physicochemical variation, residue mobility, and thermodynamic stability) performed at Invitae indicates that this missense variant is not expected to disrupt DUOX2 protein function. This variant has not been reported in the literature in individuals with DUOX2-related conditions. This variant is present in population databases (rs144086319, ExAC 0.002%). This sequence change replaces lysine with glutamic acid at codon 1018 of the DUOX2 protein (p.Lys1018Glu). The lysine residue is highly conserved and there is a small physicochemical difference between lysine and glutamic acid.